The following is an entry in ClinVar:

NM_000492.4(CFTR):c.4419A>C (p.Glu1473Asp)

Genes: CFTR (CF transmembrane conductance regulator; plus strand), LOC111674477 (CFTR intron 23 enhancer; plus strand). Cytogenetic location: 7q31.2.
Variant type: single nucleotide variant.
Coding change: c.4419A>C on transcript NM_000492.4 (MANE Select); coding-DNA position 4419, A replaced by C.
Protein change: p.Glu1473Asp; replaces glutamic acid 1473 with aspartic acid.
Molecular consequence: missense variant.
Genome position (GRCh38, 1-based): chr7:117,667,084, A>C. VCF-style: chr7-117667084-A-C. GRCh37 (hg19) VCF-style: chr7-117307138-A-C.
Other names: short protein forms E1473D.
Identifiers: ClinVar variation 4650791 (VCV004650791.1).

ClinVar aggregate classification (germline): Uncertain significance (1 of 4 stars; one submission).

Conditions:
Cystic fibrosis (CF). Also called: MUCOVISCIDOSIS. Identifiers: Orphanet 586, MedGen C0010674, MONDO:0009061, OMIM 219700. Disease mechanism: loss of function.

Submission:

Ambry Genetics
Classification: Uncertain significance for Cystic fibrosis. Last evaluated: 2025-12-01. Review status: criteria provided, single submitter. Criteria: Ambry Variant Classification Scheme 2023. Collection method: clinical testing. Allele origin: germline.
Comment: The p.E1473D variant (also known as c.4419A>C), located in coding exon 27 of the CFTR gene, results from an A to C substitution at nucleotide position 4419. The glutamic acid at codon 1473 is replaced by aspartic acid, an amino acid with highly similar properties. This amino acid position is well conserved in available vertebrate species. In addition, this alteration is predicted to be tolerated by in silico analysis. Based on the available evidence, the clinical significance of this variant remains unclear.